The following is an entry in ClinVar:

NM_006514.4(SCN10A):c.1992T>A (p.Asp664Glu)

Gene: SCN10A (sodium voltage-gated channel alpha subunit 10; minus strand). Cytogenetic location: 3p22.2.
Variant type: single nucleotide variant.
Coding change: c.1992T>A on transcript NM_006514.4 (MANE Select); coding-DNA position 1992, T replaced by A.
Protein change: p.Asp664Glu; replaces aspartic acid 664 with glutamic acid.
Molecular consequence: missense variant.
Genome position (GRCh38, 1-based): chr3:38,742,405, A>T on the plus strand (T>A on the coding strand, the complement: SCN10A is on the minus strand). VCF-style: chr3-38742405-A-T. GRCh37 (hg19) VCF-style: chr3-38783896-A-T.
Other names: c.1992T>A, p.Asp664Glu (NM_001293306.2); c.1698T>A, p.Asp566Glu (NM_001293307.2); short protein forms D664E, D566E.
Identifiers: ClinVar variation 3709225 (VCV003709225.2).

ClinVar aggregate classification (germline): Uncertain significance (1 of 4 stars; one submission).

Conditions:
Brugada syndrome. Also called: Sudden unexpected nocturnal death syndrome; Sudden unexplained nocturnal death syndrome; Sudden Unexplained Death Syndrome; Sudden Unexplained Nocturnal Death Syndrome (SUNDS). Identifiers: Orphanet 130, MedGen C1142166, MONDO:0015263.

gnomAD v4.1: 2 of 1,614,122 alleles (0.00012%); highest among the groups gnomAD compares: African/African-American, 0.0013%; no homozygotes.

Submission:

Labcorp Genetics (formerly Invitae), Labcorp
Classification: Uncertain significance for Brugada syndrome. Last evaluated: 2025-01-16. Review status: criteria provided, single submitter. Criteria: Invitae Variant Classification Sherloc (09022015). Collection method: clinical testing. Allele origin: germline.
Comment: This sequence change replaces aspartic acid, which is acidic and polar, with glutamic acid, which is acidic and polar, at codon 664 of the SCN10A protein (p.Asp664Glu). This variant is present in population databases (rs752975240, gnomAD 0.0009%). This variant has not been reported in the literature in individuals affected with SCN10A-related conditions. Invitae Evidence Modeling of protein sequence and biophysical properties (such as structural, functional, and spatial information, amino acid conservation, physicochemical variation, residue mobility, and thermodynamic stability) indicates that this missense variant is expected to disrupt SCN10A protein function with a positive predictive value of 80%. In summary, the available evidence is currently insufficient to determine the role of this variant in disease. Therefore, it has been classified as a Variant of Uncertain Significance.